The following is an entry in ClinVar:

NM_014141.6(CNTNAP2):c.3592A>G (p.Asn1198Asp)

Gene: CNTNAP2 (contactin associated protein 2; plus strand). Cytogenetic location: 7q36.1.
Variant type: single nucleotide variant.
Coding change: c.3592A>G on transcript NM_014141.6 (MANE Select); coding-DNA position 3592, A replaced by G.
Protein change: p.Asn1198Asp; replaces asparagine 1198 with aspartic acid.
Molecular consequence: missense variant.
Genome position (GRCh38, 1-based): chr7:148,383,765, A>G. VCF-style: chr7-148383765-A-G. GRCh37 (hg19) VCF-style: chr7-148080857-A-G.
Other names: short protein forms N1198D.
Identifiers: ClinVar variation 1493647 (VCV001493647.6), dbSNP rs754005565, ClinGen allele CA4546703.
Genomic context (GRCh38, chr7:148,383,765, plus strand): 5'-TGCCTCTCCAGAGTCCAGTTCAACCAGATCGCCCCTCTCAAGGCCGCCTTGAGGCAGACA[A>G]ACGCCTCGGCTCACGTCCACATCCAGGGCGAGCTGGTGGAGTCCAACTGCGGGGCCTCGC-3'
Protein context (NP_054860.1, residues 1188-1208): APLKAALRQT[Asn1198Asp]ASAHVHIQGE

ClinVar aggregate classification (germline): Uncertain significance (1 of 4 stars; one submission).

Conditions:
Cortical dysplasia-focal epilepsy syndrome (PTHSL1). Also called: Pitt-Hopkins-like syndrome 1. Identifiers: Orphanet 163681, Orphanet 221150, MedGen C2750246, MONDO:0012400, OMIM 610042.

Allele frequency attached by ClinVar (database versions not stated): gnomAD exomes below 0.00001; TOPMed below 0.00001; ExAC 0.00001.
gnomAD v4.1: 1 of 1,614,194 alleles (0.000062%); highest among the groups gnomAD compares: Admixed American, 0.0017%; no homozygotes.

Submission:

Labcorp Genetics (formerly Invitae), Labcorp
Classification: Uncertain significance for Cortical dysplasia-focal epilepsy syndrome. Last evaluated: 2022-08-23. Review status: criteria provided, single submitter. Criteria: Invitae Variant Classification Sherloc (09022015). Collection method: clinical testing. Allele origin: germline.
Comment: This variant has not been reported in the literature in individuals affected with CNTNAP2-related conditions. This sequence change replaces asparagine, which is neutral and polar, with aspartic acid, which is acidic and polar, at codon 1198 of the CNTNAP2 protein (p.Asn1198Asp). This variant is present in population databases (rs754005565, gnomAD 0.003%). ClinVar contains an entry for this variant (Variation ID: 1493647). Algorithms developed to predict the effect of missense changes on protein structure and function (SIFT, PolyPhen-2, Align-GVGD) all suggest that this variant is likely to be tolerated. In summary, the available evidence is currently insufficient to determine the role of this variant in disease. Therefore, it has been classified as a Variant of Uncertain Significance.